The following is an entry in ClinVar:

NM_000059.4(BRCA2):c.2534_2535dup (p.Ser846fs)

Gene: BRCA2 (BRCA2 DNA repair associated; plus strand). Cytogenetic location: 13q13.1.
Variant type: Duplication.
Coding change: c.2534_2535dup on transcript NM_000059.4 (MANE Select); coding-DNA positions 2534 to 2535, 2 bases duplicated (CT; older notation c.2534_2535dupCT).
Protein change: p.Ser846fs; shifts the reading frame from serine 846.
Molecular consequence: frameshift variant.
Genome position (GRCh38, 1-based): chr13:32,336,889-32,336,890, CT duplicated. VCF-style (leftmost placement, unchanged base first): chr13-32336888-C-CCT. GRCh37 (hg19) VCF-style: chr13-32911025-C-CCT.
Other names: short protein forms S846fs.
Identifiers: ClinVar variation 1694698 (VCV001694698.31), dbSNP rs2137487476, ClinGen allele CA2580087280.

ClinVar aggregate classification (germline): Pathogenic (1 of 4 stars; one submission).

Submission:

CeGaT Center for Human Genetics Tuebingen
Classification: Pathogenic. Last evaluated: 2022-04-01. Review status: criteria provided, single submitter. Criteria: CeGaT Center For Human Genetics Tuebingen Variant Classification Criteria Version 2. Collection method: clinical testing. Allele origin: germline. Affected: yes. Observed: 1 variant allele.
Comment: BRCA2: PVS1, PM2